The following is an entry in ClinVar:

NC_000012.11:g.(?_133263830)_(133263901_?)del

Gene: POLE (DNA polymerase epsilon, catalytic subunit; minus strand). Cytogenetic location: 12q24.33.
Variant type: Deletion.
Identifiers: ClinVar variation 1015503 (VCV001015503.2).

ClinVar aggregate classification (germline): Pathogenic (1 of 4 stars; one submission).

Conditions:
Colorectal cancer, susceptibility to, 12 (CRCS12). Also called: COLORECTAL CANCER, SUSCEPTIBILITY TO, ON CHROMOSOME 12q24. Identifiers: Orphanet 220460, MedGen C3554460, MONDO:0014038, OMIM 615083.

Submission:

Labcorp Genetics (formerly Invitae), Labcorp
Classification: Pathogenic for Colorectal cancer, susceptibility to, 12. Last evaluated: 2022-09-26. Review status: criteria provided, single submitter. Criteria: Invitae Variant Classification Sherloc (09022015). Collection method: clinical testing. Allele origin: germline.
Comment: This variant is a gross deletion of the genomic region encompassing exon(s) 1 of the POLE gene, which includes the initiator codon. This deletion extends beyond the assayed region for this gene and therefore may encompass additional genes. It is expected to result in an absent or disrupted protein product. Loss-of-function variants in POLE are known to be pathogenic (PMID: 23230001, 25948378, 30503519). This variant has not been reported in the literature in individuals affected with POLE-related conditions. Experimental studies and prediction algorithms are not available or were not evaluated, and the functional significance of this variant is currently unknown. For these reasons, this variant has been classified as Pathogenic.

Literature cited by the submitters: PubMed 23230001; PubMed 25948378; PubMed 30503519.